The following is an entry in ClinVar:

ClinVar aggregate classification (germline): Benign/Likely benign. Review status: criteria provided, multiple submitters, no conflicts (2 of 4 stars). 5 submissions from 4 submitters: Benign (4); Likely benign (1). Last evaluated 2026-05-11.

Conditions:
Multiple epiphyseal dysplasia type 1. Also called: COMP-Related Multiple Epiphyseal Dysplasia. Identifiers: Orphanet 93308, MedGen C1838280, MONDO:0007561, OMIM 132400.
Pseudoachondroplastic spondyloepiphyseal dysplasia syndrome (PSACH). Also called: PSEUDOACHONDROPLASTIC DYSPLASIA; COMP-Related Pseudoachondroplasia; Pseudoachondroplasia. Identifiers: Orphanet 750, MedGen C0410538, MONDO:0008322, OMIM 177170.

Allele frequency attached by ClinVar (database versions not stated): 1000 Genomes Project 30x 0.00094; 1000 Genomes Project 0.00120; gnomAD 0.00126 and 0.00140; TOPMed 0.00161; ESP Exome Variant Server 0.00200; gnomAD exomes 0.00201 and 0.00261; ExAC 0.00203.
gnomAD v4.1: 4,049 of 1,610,186 alleles (0.25%); highest among the groups gnomAD compares: Middle Eastern, 0.62%; 13 homozygotes.

Submissions (5):

Women's Health and Genetics/Laboratory Corporation of America, LabCorp
Classification: Benign. Last evaluated: 2026-05-11. Review status: criteria provided, single submitter. Criteria: LabCorp Variant Classification Summary - May 2015. Collection method: clinical testing. Allele origin: germline.

Blueprint Genetics
Classification: Likely benign. Last evaluated: 2024-11-25. Review status: criteria provided, single submitter. Criteria: ACMG Guidelines, 2015. Collection method: clinical testing. Allele origin: germline.

Illumina Laboratory Services, Illumina
Classification: Benign for Multiple epiphyseal dysplasia type 1. Last evaluated: 2018-01-12. Review status: criteria provided, single submitter. Criteria: ICSL Variant Classification Criteria 13 December 2019. Collection method: clinical testing. Allele origin: germline.
Comment: This variant was observed in the ICSL laboratory as part of a predisposition screen in an ostensibly healthy population. It had not been previously curated by ICSL or reported in the Human Gene Mutation Database (HGMD: prior to June 1st, 2018), and was therefore a candidate for classification through an automated scoring system. Utilizing variant allele frequency, disease prevalence and penetrance estimates, and inheritance mode, an automated score was calculated to assess if this variant is too frequent to cause the disease. Based on the score and internal cut-off values, a variant classified as benign is not then subjected to further curation. The score for this variant resulted in a classification of benign for this disease.

Illumina Laboratory Services, Illumina
Classification: Benign for Pseudoachondroplastic spondyloepiphyseal dysplasia syndrome. Last evaluated: 2018-01-12. Review status: criteria provided, single submitter. Criteria: ICSL Variant Classification Criteria 13 December 2019. Collection method: clinical testing. Allele origin: germline.
Comment: the same text as in the submission from Illumina Laboratory Services, Illumina above.

Breakthrough Genomics
Classification: Benign. Review status: criteria provided, single submitter. Criteria: ACMG Guidelines, 2015. Collection method: not provided. Allele origin: germline. Inheritance: Autosomal dominant inheritance. Affected: yes.

NM_000095.3(COMP):c.*15A>G

Gene: COMP (cartilage oligomeric matrix protein; minus strand). Cytogenetic location: 19p13.11.
Variant type: single nucleotide variant.
Coding change: c.*15A>G on transcript NM_000095.3 (MANE Select); 15 bases downstream of the stop codon, A replaced by G.
Molecular consequence: 3 prime UTR variant.
Genome position (GRCh38, 1-based): chr19:18,782,900, T>C on the plus strand (A>G on the coding strand, the complement: COMP is on the minus strand). VCF-style: chr19-18782900-T-C. GRCh37 (hg19) VCF-style: chr19-18893710-T-C.
Identifiers: ClinVar variation 328608 (VCV000328608.8), dbSNP rs201937857, ClinGen allele CA9316106.